The following is an entry in ClinVar:

NM_001330700.2(TOP2B):c.4140T>A (p.Asp1380Glu)

Gene: TOP2B (DNA topoisomerase II beta; minus strand). Cytogenetic location: 3p24.2.
Variant type: single nucleotide variant.
Coding change: c.4140T>A on transcript NM_001330700.2 (MANE Select); coding-DNA position 4140, T replaced by A.
Protein change: p.Asp1380Glu; replaces aspartic acid 1380 with glutamic acid.
Molecular consequence: missense variant.
Genome position (GRCh38, 1-based): chr3:25,607,329, A>T on the plus strand (T>A on the coding strand, the complement: TOP2B is on the minus strand). VCF-style: chr3-25607329-A-T. GRCh37 (hg19) VCF-style: chr3-25648820-A-T.
Other names: c.4125T>A, p.Asp1375Glu (NM_001068.3); short protein forms D1375E, D1380E.
Identifiers: ClinVar variation 1012492 (VCV001012492.42), dbSNP rs779856514, ClinGen allele CA2288155.

ClinVar aggregate classification (germline): Uncertain significance. Review status: criteria provided, multiple submitters, no conflicts (2 of 4 stars). 2 submissions from 2 submitters: Uncertain significance (2). Last evaluated 2025-04-24.

Allele frequency attached by ClinVar (database versions not stated): gnomAD exomes below 0.00001 and 0.00001; TOPMed 0.00001; gnomAD 0.00002; ExAC 0.00004.
gnomAD v4.1: 5 of 1,552,314 alleles (0.00032%); highest among the groups gnomAD compares: Non-Finnish European, 0.00044%; no homozygotes.

Submissions (2):

Labcorp Genetics (formerly Invitae), Labcorp
Classification: Uncertain significance. Last evaluated: 2025-04-24. Review status: criteria provided, single submitter. Criteria: Invitae Variant Classification Sherloc (09022015). Collection method: clinical testing. Allele origin: germline.
Comment: This sequence change replaces aspartic acid, which is acidic and polar, with glutamic acid, which is acidic and polar, at codon 1375 of the TOP2B protein (p.Asp1375Glu). This variant is present in population databases (rs779856514, gnomAD 0.003%). This variant has not been reported in the literature in individuals affected with TOP2B-related conditions. ClinVar contains an entry for this variant (Variation ID: 1012492). An algorithm developed to predict the effect of missense changes on protein structure and function outputs the following: PolyPhen-2: "Benign". The glutamic acid amino acid residue is found in multiple mammalian species, which suggests that this missense change does not adversely affect protein function. In summary, the available evidence is currently insufficient to determine the role of this variant in disease. Therefore, it has been classified as a Variant of Uncertain Significance.

CeGaT Center for Human Genetics Tuebingen
Classification: Uncertain significance. Last evaluated: 2021-01-01. Review status: criteria provided, single submitter. Criteria: CeGaT Center For Human Genetics Tuebingen Variant Classification Criteria Version 2. Collection method: clinical testing. Allele origin: germline. Affected: yes. Observed: 1 variant allele.